The following is an entry in ClinVar:

NM_001065.4(TNFRSF1A):c.1343C>T (p.Pro448Leu)

Gene: TNFRSF1A (TNF receptor superfamily member 1A; minus strand). Cytogenetic location: 12p13.31.
Variant type: single nucleotide variant.
Coding change: c.1343C>T on transcript NM_001065.4 (MANE Select); coding-DNA position 1343, C replaced by T.
Protein change: p.Pro448Leu; replaces proline 448 with leucine.
Molecular consequence: missense variant. On other transcripts: non-coding transcript variant (1).
Genome position (GRCh38, 1-based): chr12:6,329,337, G>A on the plus strand (C>T on the coding strand, the complement: TNFRSF1A is on the minus strand). VCF-style: chr12-6329337-G-A. GRCh37 (hg19) VCF-style: chr12-6438503-G-A.
Other names: c.1019C>T, p.Pro340Leu (NM_001346091.2); c.884C>T, p.Pro295Leu (NM_001346092.2); short protein forms P295L, P340L, P448L.
Identifiers: ClinVar variation 1348379 (VCV001348379.30), dbSNP rs1289887403, ClinGen allele CA383544265.

ClinVar aggregate classification (germline): Conflicting classifications of pathogenicity. Review status: criteria provided, conflicting classifications (1 of 4 stars). 3 submissions from 3 submitters: Uncertain significance (1); Likely benign (2). Last evaluated 2025-10-03.

Conditions:
TNF receptor-associated periodic fever syndrome (TRAPS) (FPF). Also called: Autosomal Dominant Familial Periodic Fever; FAMILIAL HIBERNIAN FEVER; TNF RECEPTOR-ASSOCIATED PERIODIC SYNDROME; TUMOR NECROSIS FACTOR RECEPTOR-ASSOCIATED PERIODIC SYNDROME; TNF Receptor-Associated Periodic Fever Syndrome; TNF receptor 1-associated periodic fever syndrome. Identifiers: Orphanet 32960, MedGen C1275126, MONDO:0007727, OMIM 142680.

Allele frequency attached by ClinVar (database versions not stated): gnomAD exomes 0.00002.
gnomAD v4.1: 18 of 1,475,602 alleles (0.0012%); highest among the groups gnomAD compares: Middle Eastern, 0.019%; no homozygotes.

Submissions (3):

Labcorp Genetics (formerly Invitae), Labcorp
Classification: Likely benign for TNF receptor-associated periodic fever syndrome (TRAPS). Last evaluated: 2025-10-03. Review status: criteria provided, single submitter. Criteria: Invitae Variant Classification Sherloc (09022015). Collection method: clinical testing. Allele origin: germline.

Blueprint Genetics
Classification: Uncertain significance. Last evaluated: 2023-09-16. Review status: criteria provided, single submitter. Criteria: ACMG Guidelines, 2015. Collection method: clinical testing. Allele origin: germline.

CeGaT Center for Human Genetics Tuebingen
Classification: Likely benign. Last evaluated: 2023-07-01. Review status: criteria provided, single submitter. Criteria: CeGaT Center For Human Genetics Tuebingen Variant Classification Criteria Version 2. Collection method: clinical testing. Allele origin: germline. Affected: yes. Observed: 1 variant allele.
Comment: TNFRSF1A: BP4